The following is an entry in ClinVar:

ClinVar aggregate classification (germline): Uncertain significance (1 of 4 stars; one submission).

Submission:

Labcorp Genetics (formerly Invitae), Labcorp
Classification: Uncertain significance. Last evaluated: 2022-08-09. Review status: criteria provided, single submitter. Criteria: Invitae Variant Classification Sherloc (09022015). Collection method: clinical testing. Allele origin: germline.
Comment: This sequence change replaces threonine, which is neutral and polar, with proline, which is neutral and non-polar, at codon 1563 of the POLE protein (p.Thr1563Pro). This variant is not present in population databases (gnomAD no frequency). In summary, the available evidence is currently insufficient to determine the role of this variant in disease. Therefore, it has been classified as a Variant of Uncertain Significance. Algorithms developed to predict the effect of missense changes on protein structure and function (SIFT, PolyPhen-2, Align-GVGD) all suggest that this variant is likely to be tolerated. This variant has not been reported in the literature in individuals affected with POLE-related conditions.

NM_006231.4(POLE):c.4687A>C (p.Thr1563Pro)

Gene: POLE (DNA polymerase epsilon, catalytic subunit; minus strand). Cytogenetic location: 12q24.33.
Variant type: single nucleotide variant.
Coding change: c.4687A>C on transcript NM_006231.4 (MANE Select); coding-DNA position 4687, A replaced by C.
Protein change: p.Thr1563Pro; replaces threonine 1563 with proline.
Molecular consequence: missense variant.
Genome position (GRCh38, 1-based): chr12:132,642,861, T>G on the plus strand (A>C on the coding strand, the complement: POLE is on the minus strand). VCF-style: chr12-132642861-T-G. GRCh37 (hg19) VCF-style: chr12-133219447-T-G.
Other names: short protein forms T1563P.
Identifiers: ClinVar variation 1715742 (VCV001715742.5), dbSNP rs2138539528, ClinGen allele CA387378800.
Genomic context (GRCh38, chr12:132,642,861, plus strand): 5'-AGACCCCAACCACTCTCACCTTGTAGGCGAGCAGGAATCGCTGGATGGCTCTGCAGATGG[T>G]CTTCAGGTCAGTTTCTGCCCGAACTTCGAAGGTGTGTTTGGGGGGTGGCAGGAGCTCAGG-3'
Protein context (NP_006222.2, residues 1553-1573): FEVRAETDLK[Thr1563Pro]ICRAIQRFLL